The following is an entry in ClinVar:

ClinVar aggregate classification (germline): Likely benign (1 of 4 stars; one submission).

Conditions:
PHF6-related disorder. Also called: PHF6-related condition.

Submission:

PreventionGenetics, part of Exact Sciences
Classification: Likely benign for PHF6-related condition. Last evaluated: 2026-07-13. Review status: criteria provided, single submitter. Criteria: ACMG Guidelines, 2015. Collection method: clinical testing. Allele origin: germline.
Comment: This variant is classified as likely benign based on ACMG/AMP sequence variant interpretation guidelines (Richards et al. 2015 PMID: 25741868, with internal and published modifications).

NM_001015877.2(PHF6):c.1041A>G (p.Arg347=)

Gene: PHF6 (PHD finger protein 6; plus strand). Cytogenetic location: Xq26.2.
Variant type: single nucleotide variant.
Coding change: c.1041A>G on transcript NM_001015877.2 (MANE Select); coding-DNA position 1041, A replaced by G.
Protein change: p.Arg347=; no amino-acid change (arginine 347 retained).
Molecular consequence: synonymous variant.
Genome position (GRCh38, 1-based): chrX:134,425,273, A>G. VCF-style: chrX-134425273-A-G. GRCh37 (hg19) VCF-style: chrX-133559303-A-G.
Other names: c.1041A>G, p.Arg347= (NM_032458.3).
Identifiers: ClinVar variation 4979088 (VCV004979088.1).